The following is an entry in ClinVar:

NM_006445.4(PRPF8):c.6299C>T (p.Thr2100Ile)

Gene: PRPF8 (pre-mRNA processing factor 8; minus strand). Cytogenetic location: 17p13.3.
Variant type: single nucleotide variant.
Coding change: c.6299C>T on transcript NM_006445.4 (MANE Select); coding-DNA position 6299, C replaced by T.
Protein change: p.Thr2100Ile; replaces threonine 2100 with isoleucine.
Molecular consequence: missense variant.
Genome position (GRCh38, 1-based): chr17:1,653,612, G>A on the plus strand (C>T on the coding strand, the complement: PRPF8 is on the minus strand). VCF-style: chr17-1653612-G-A. GRCh37 (hg19) VCF-style: chr17-1556906-G-A.
Other names: short protein forms T2100I.
Identifiers: ClinVar variation 1327342 (VCV001327342.2), dbSNP rs2151111184, ClinGen allele CA397566645.

ClinVar aggregate classification (germline): Uncertain significance (1 of 4 stars; one submission).

Submission:

GeneDx
Classification: Uncertain significance. Last evaluated: 2021-06-03. Review status: criteria provided, single submitter. Criteria: GeneDx Variant Classification Process June 2021. Collection method: clinical testing. Allele origin: germline. Affected: yes.
Comment: Not observed at significant frequency in large population cohorts (Lek et al., 2016); In silico analysis supports that this missense variant has a deleterious effect on protein structure/function; Has not been previously published as pathogenic or benign to our knowledge; This variant is associated with the following publications: (PMID: 27535533)